The following is an entry in ClinVar:

ClinVar aggregate classification (germline): Likely pathogenic (1 of 4 stars; one submission).

Conditions:
Glycogen storage disease, type VII (GSD7). Also called: GSD VII; MUSCLE PHOSPHOFRUCTOKINASE DEFICIENCY; PFKM DEFICIENCY; TARUI DISEASE. Identifiers: Orphanet 371, MedGen C0017926, MONDO:0009295, OMIM 232800.

Submission:

Labcorp Genetics (formerly Invitae), Labcorp
Classification: Likely pathogenic for Glycogen storage disease, type VII. Last evaluated: 2023-02-15. Review status: criteria provided, single submitter. Criteria: Invitae Variant Classification Sherloc (09022015). Collection method: clinical testing. Allele origin: germline.
Comment: In summary, the currently available evidence indicates that the variant is pathogenic, but additional data are needed to prove that conclusively. Therefore, this variant has been classified as Likely Pathogenic. Algorithms developed to predict the effect of sequence changes on RNA splicing suggest that this variant may disrupt the consensus splice site. This variant has not been reported in the literature in individuals affected with PFKM-related conditions. This variant is not present in population databases (gnomAD no frequency). This sequence change affects an acceptor splice site in intron 6 of the PFKM gene. It is expected to disrupt RNA splicing. Variants that disrupt the donor or acceptor splice site typically lead to a loss of protein function (PMID: 16199547), and loss-of-function variants in PFKM are known to be pathogenic (PMID: 7825568, 8037209).

Literature cited by the submitters: PubMed 16199547; PubMed 7825568; PubMed 8037209.

NM_000289.6(PFKM):c.594-1G>A

Gene: PFKM (phosphofructokinase, muscle; plus strand). Cytogenetic location: 12q13.11.
Variant type: single nucleotide variant.
Coding change: c.594-1G>A on transcript NM_000289.6 (MANE Select); the canonical splice acceptor site of the intron before coding-DNA position 594, G replaced by A.
Molecular consequence: splice acceptor variant.
Genome position (GRCh38, 1-based): chr12:48,134,231, G>A. VCF-style: chr12-48134231-G-A. GRCh37 (hg19) VCF-style: chr12-48528014-G-A.
Other names: c.903-1G>A (NM_001354736.1, NM_001354735.1); c.807-1G>A (NM_001354737.1, NM_001354739.1, NM_001354738.1 and 1 more transcripts); c.738-1G>A (NM_001354740.1); c.594-1G>A (NM_001354744.2, NM_001354746.2, NM_001363619.2 and 4 more transcripts); c.507-1G>A (NM_001354745.2); c.444-1G>A (NM_001354748.2, NM_001354747.2); c.618-1G>A (NM_001354741.2).
Identifiers: ClinVar variation 2837617 (VCV002837617.3), dbSNP rs2498343608, ClinGen allele CA384544023.